The following is an entry in ClinVar:

NM_014806.5(RUSC2):c.98C>T (p.Ala33Val)

Gene: RUSC2 (RUN and SH3 domain containing 2; plus strand). Cytogenetic location: 9p13.3.
Variant type: single nucleotide variant.
Coding change: c.98C>T on transcript NM_014806.5 (MANE Select); coding-DNA position 98, C replaced by T.
Protein change: p.Ala33Val; replaces alanine 33 with valine.
Molecular consequence: missense variant. On other transcripts: non-coding transcript variant (1), intron variant (1).
Genome position (GRCh38, 1-based): chr9:35,546,619, C>T. VCF-style: chr9-35546619-C-T. GRCh37 (hg19) VCF-style: chr9-35546616-C-T.
Other names: c.98C>T, p.Ala33Val (NM_001135999.2); c.-620-8441C>T (NM_001330740.2); short protein forms A33V.
Identifiers: ClinVar variation 1944549 (VCV001944549.5), dbSNP rs1164305616, ClinGen allele CA373325800.

ClinVar aggregate classification (germline): Uncertain significance (1 of 4 stars; one submission).

Allele frequency attached by ClinVar (database versions not stated): TOPMed below 0.00001; gnomAD exomes 0.00002.

Submission:

Labcorp Genetics (formerly Invitae), Labcorp
Classification: Uncertain significance. Last evaluated: 2022-02-28. Review status: criteria provided, single submitter. Criteria: Invitae Variant Classification Sherloc (09022015). Collection method: clinical testing. Allele origin: germline.
Comment: In summary, the available evidence is currently insufficient to determine the role of this variant in disease. Therefore, it has been classified as a Variant of Uncertain Significance. This sequence change replaces alanine, which is neutral and non-polar, with valine, which is neutral and non-polar, at codon 33 of the RUSC2 protein (p.Ala33Val). The frequency data for this variant in the population databases is considered unreliable, as metrics indicate poor data quality at this position in the gnomAD database. This variant has not been reported in the literature in individuals affected with RUSC2-related conditions. Algorithms developed to predict the effect of missense changes on protein structure and function are either unavailable or do not agree on the potential impact of this missense change (SIFT: "Deleterious"; PolyPhen-2: "Possibly Damaging"; Align-GVGD: "Class C0"). Algorithms developed to predict the effect of sequence changes on RNA splicing suggest that this variant may create or strengthen a splice site.